The following is an entry in ClinVar:

ClinVar aggregate classification (germline): Uncertain significance (1 of 4 stars; one submission).

Allele frequency attached by ClinVar (database versions not stated): gnomAD 0.00001; TOPMed 0.00001.
gnomAD v4.1: 43 of 1,613,950 alleles (0.0027%); highest among the groups gnomAD compares: Non-Finnish European, 0.0036%; no homozygotes.

Submission:

Labcorp Genetics (formerly Invitae), Labcorp
Classification: Uncertain significance. Last evaluated: 2022-07-07. Review status: criteria provided, single submitter. Criteria: Invitae Variant Classification Sherloc (09022015). Collection method: clinical testing. Allele origin: germline.
Comment: This variant has not been reported in the literature in individuals affected with PLTP-related conditions. Algorithms developed to predict the effect of sequence changes on RNA splicing suggest that this variant may disrupt the consensus splice site. In summary, the available evidence is currently insufficient to determine the role of this variant in disease. Therefore, it has been classified as a Variant of Uncertain Significance. This variant is present in population databases (rs778265326, gnomAD 0.002%). This sequence change affects a donor splice site in intron 4 of the PLTP gene. It is expected to disrupt RNA splicing. Variants that disrupt the donor or acceptor splice site typically lead to a loss of protein function (PMID: 16199547), however the current clinical and genetic evidence is not sufficient to establish whether loss-of-function variants in PLTP cause disease.

Literature cited by the submitters: PubMed 16199547.

NM_006227.4(PLTP):c.329+1G>T

Gene: PLTP (phospholipid transfer protein; minus strand). Cytogenetic location: 20q13.12.
Variant type: single nucleotide variant.
Coding change: c.329+1G>T on transcript NM_006227.4 (MANE Select); the canonical splice donor site of the intron after coding-DNA position 329, G replaced by T.
Molecular consequence: splice donor variant. On other transcripts: intron variant (1).
Genome position (GRCh38, 1-based): chr20:45,909,941, C>A on the plus strand (G>T on the coding strand, the complement: PLTP is on the minus strand). VCF-style: chr20-45909941-C-A. GRCh37 (hg19) VCF-style: chr20-44538580-C-A.
Other names: c.65+1G>T (NM_001242921.1); c.200+1211G>T (NM_001242920.2); c.329+1G>T (NM_182676.3).
Identifiers: ClinVar variation 1900195 (VCV001900195.5), dbSNP rs778265326, ClinGen allele CA9883929.